The following is an entry in ClinVar:

ClinVar aggregate classification (germline): Likely pathogenic (1 of 4 stars; one submission).

Conditions:
EGFR-related lung cancer (EGFR). Identifiers: MedGen CN130014.

Submission:

Labcorp Genetics (formerly Invitae), Labcorp
Classification: Likely pathogenic for EGFR-related lung cancer. Last evaluated: 2025-06-11. Review status: criteria provided, single submitter. Criteria: Invitae Variant Classification Sherloc (09022015). Collection method: clinical testing. Allele origin: germline.
Comment: This sequence change affects a donor splice site in intron 17 of the EGFR gene. It is expected to disrupt RNA splicing. Variants that disrupt the donor or acceptor splice site typically lead to a loss of protein function (PMID: 16199547), and loss-of-function variants in EGFR are known to be pathogenic (PMID: 7630400, 28726809, 29899996). This variant is not present in population databases (gnomAD no frequency). This variant has not been reported in the literature in individuals affected with EGFR-related conditions. ClinVar contains an entry for this variant (Variation ID: 3001184). Algorithms developed to predict the effect of sequence changes on RNA splicing suggest that this variant may disrupt the consensus splice site. In summary, the currently available evidence indicates that the variant is pathogenic, but additional data are needed to prove that conclusively. Therefore, this variant has been classified as Likely Pathogenic.

Literature cited by the submitters: PubMed 16199547; PubMed 7630400; PubMed 28726809; PubMed 29899996.

NM_005228.5(EGFR):c.2061+1G>A

Gene: EGFR (epidermal growth factor receptor; plus strand). Cytogenetic location: 7p11.2.
Variant type: single nucleotide variant.
Coding change: c.2061+1G>A on transcript NM_005228.5 (MANE Select); the canonical splice donor site of the intron after coding-DNA position 2061, G replaced by A.
Molecular consequence: splice donor variant.
Genome position (GRCh38, 1-based): chr7:55,173,125, G>A. VCF-style: chr7-55173125-G-A. GRCh37 (hg19) VCF-style: chr7-55240818-G-A.
Other names: c.1902+1G>A (NM_001346900.2); c.1926+1G>A (NM_001346899.2, NM_001346897.2); c.1260+1G>A (NM_001346941.2); c.2061+1G>A (NM_001346898.2).
Identifiers: ClinVar variation 3001184 (VCV003001184.3), dbSNP rs2128952727, ClinGen allele CA367583295.